The following is an entry in ClinVar:

ClinVar aggregate classification (germline): Uncertain significance. Review status: criteria provided, multiple submitters, no conflicts (2 of 4 stars). 3 submissions from 3 submitters: Uncertain significance (3). Last evaluated 2022-06-20.

Conditions:
Inborn genetic diseases. Identifiers: MedGen C0950123, MeSH D030342.
Brody myopathy. Also called: BRODY DISEASE. Identifiers: Orphanet 53347, MedGen C1832918, MONDO:0010977, OMIM 601003.

Allele frequency attached by ClinVar (database versions not stated): gnomAD exomes 0.00001 and 0.00003; ExAC 0.00004; gnomAD 0.00017 and 0.00018; TOPMed 0.00023; ESP Exome Variant Server 0.00031.
gnomAD v4.1: 38 of 1,613,954 alleles (0.0024%); highest among the groups gnomAD compares: African/African-American, 0.051%; no homozygotes.

Submissions (3):

Labcorp Genetics (formerly Invitae), Labcorp
Classification: Uncertain significance for Brody myopathy. Last evaluated: 2022-06-20. Review status: criteria provided, single submitter. Criteria: Invitae Variant Classification Sherloc (09022015). Collection method: clinical testing. Allele origin: germline.
Comment: This sequence change replaces alanine, which is neutral and non-polar, with valine, which is neutral and non-polar, at codon 43 of the ATP2A1 protein (p.Ala43Val). This variant is present in population databases (rs150403167, gnomAD 0.05%). This variant has not been reported in the literature in individuals affected with ATP2A1-related conditions. ClinVar contains an entry for this variant (Variation ID: 965556). Algorithms developed to predict the effect of missense changes on protein structure and function are either unavailable or do not agree on the potential impact of this missense change (SIFT: "Deleterious"; PolyPhen-2: "Probably Damaging"; Align-GVGD: "Class C0"). In summary, the available evidence is currently insufficient to determine the role of this variant in disease. Therefore, it has been classified as a Variant of Uncertain Significance.

GeneDx
Classification: Uncertain significance. Last evaluated: 2022-01-11. Review status: criteria provided, single submitter. Criteria: GeneDx Variant Classification Process June 2021. Collection method: clinical testing. Allele origin: germline. Affected: yes.
Comment: In silico analysis supports that this missense variant has a deleterious effect on protein structure/function; Has not been previously published as pathogenic or benign to our knowledge

Ambry Genetics
Classification: Uncertain significance for Inborn genetic diseases. Last evaluated: 2021-10-05. Review status: criteria provided, single submitter. Criteria: Ambry Variant Classification Scheme 2023. Collection method: clinical testing. Allele origin: germline.

NM_004320.6(ATP2A1):c.128C>T (p.Ala43Val)

Genes: ATP2A1-AS1 (ATP2A1 antisense RNA 1; minus strand), ATP2A1 (ATPase sarcoplasmic/endoplasmic reticulum Ca2+ transporting 1; plus strand). Cytogenetic location: 16p11.2.
Variant type: single nucleotide variant.
Coding change: c.128C>T on transcript NM_004320.6 (MANE Select); coding-DNA position 128, C replaced by T.
Protein change: p.Ala43Val; replaces alanine 43 with valine.
Molecular consequence: missense variant.
Genome position (GRCh38, 1-based): chr16:28,879,108, C>T. VCF-style: chr16-28879108-C-T. GRCh37 (hg19) VCF-style: chr16-28890429-C-T.
Other names: c.128C>T, p.Ala43Val (NM_173201.5); short protein forms A43V.
Identifiers: ClinVar variation 965556 (VCV000965556.8), dbSNP rs150403167, ClinGen allele CA7986520.
Genomic context (GRCh38, chr16:28,879,108, plus strand): 5'-ATGAGGCTGAACCCCAAATGAATCTGTCCTTTTCTTCTTTTTCCTGGGTAGAGCTCCCTG[C>T]TGAGGAAGGTAAGTTACTGGAATCCCTGAACTCTCATAAATGACCACCCCCCACCCCGCC-3'
Protein context (NP_004311.1, residues 33-53): LEKYGLNELP[Ala43Val]EEGKTLWELV